The following is an entry in ClinVar:

ClinVar aggregate classification (germline): Likely benign. Review status: criteria provided, multiple submitters, no conflicts (2 of 4 stars). 3 submissions from 3 submitters: Likely benign (3). Last evaluated 2025-05-01.

Conditions:
Dyskeratosis congenita. Identifiers: Orphanet 1775, MedGen C0265965, MONDO:0015780.
Idiopathic Pulmonary Fibrosis. Also called: Idiopathic fibrosing alveolitis, chronic form; idiopathic fibrosing alveolitis. Identifiers: Orphanet 2032, MedGen C1800706, MeSH D054990, MONDO:0800504.
Dyskeratosis congenita, autosomal dominant 2. Identifiers: MedGen C3151443, MONDO:0013521, OMIM 613989.

Allele frequency attached by ClinVar (database versions not stated): ExAC below 0.00001; gnomAD 0.00001; gnomAD exomes 0.00001 and 0.00003; TOPMed 0.00002.
gnomAD v4.1: 14 of 1,552,352 alleles (0.0009%); highest among the groups gnomAD compares: Admixed American, 0.0078%; no homozygotes.

Submissions (3):

CeGaT Center for Human Genetics Tuebingen
Classification: Likely benign. Last evaluated: 2025-05-01. Review status: criteria provided, single submitter. Criteria: CeGaT Center For Human Genetics Tuebingen Variant Classification Criteria Version 2. Collection method: clinical testing. Allele origin: germline. Affected: yes. Observed: 1 variant allele.
Comment: TERT: BP4, BP7

Labcorp Genetics (formerly Invitae), Labcorp
Classification: Likely benign for Dyskeratosis congenita, autosomal dominant 2; Idiopathic Pulmonary Fibrosis. Last evaluated: 2024-07-27. Review status: criteria provided, single submitter. Criteria: Invitae Variant Classification Sherloc (09022015). Collection method: clinical testing. Allele origin: germline.

Ambry Genetics
Classification: Likely benign for Dyskeratosis congenita. Last evaluated: 2022-03-06. Review status: criteria provided, single submitter. Criteria: Ambry Variant Classification Scheme 2023. Collection method: clinical testing. Allele origin: germline.

NM_198253.3(TERT):c.2010G>A (p.Ala670=)

Gene: TERT (telomerase reverse transcriptase; minus strand). Cytogenetic location: 5p15.33.
Variant type: single nucleotide variant.
Coding change: c.2010G>A on transcript NM_198253.3 (MANE Select); coding-DNA position 2010, G replaced by A.
Protein change: p.Ala670=; no amino-acid change (alanine 670 retained).
Molecular consequence: synonymous variant. On other transcripts: non-coding transcript variant (2).
Genome position (GRCh38, 1-based): chr5:1,279,411, C>T on the plus strand (G>A on the coding strand, the complement: TERT is on the minus strand). VCF-style: chr5-1279411-C-T. GRCh37 (hg19) VCF-style: chr5-1279526-C-T.
Other names: c.2010G>A, p.Ala670= (NM_001193376.3).
Identifiers: ClinVar variation 539269 (VCV000539269.23), dbSNP rs759843505, ClinGen allele CA3184688.